The following is an entry in ClinVar:

NM_000179.3(MSH6):c.2075A>C (p.Lys692Thr)

Gene: MSH6 (mutS homolog 6; plus strand). Cytogenetic location: 2p16.3.
Variant type: single nucleotide variant.
Coding change: c.2075A>C on transcript NM_000179.3 (MANE Select); coding-DNA position 2075, A replaced by C.
Protein change: p.Lys692Thr; replaces lysine 692 with threonine.
Molecular consequence: missense variant. On other transcripts: non-coding transcript variant (5), intron variant (2).
Genome position (GRCh38, 1-based): chr2:47,800,058, A>C. VCF-style: chr2-47800058-A-C. GRCh37 (hg19) VCF-style: chr2-48027197-A-C.
Other names: c.1169A>C, p.Lys390Thr (NM_001406812.1, NM_001406814.1, NM_001406815.1 and 6 more transcripts); c.2081A>C, p.Lys694Thr (NM_001406813.1); c.1778A>C, p.Lys593Thr (NM_001406818.1, NM_001406819.1, NM_001406820.1 and 10 more transcripts); c.1907A>C, p.Lys636Thr (NM_001406826.1); c.1606+469A>C (NM_001406817.1); c.628-608A>C (NM_001407362.1); c.2171A>C, p.Lys724Thr (NM_001406802.1, NM_001406795.1); c.2075A>C, p.Lys692Thr (NM_001406803.1, NM_001406808.1, NM_001406809.1 and 3 more transcripts); and 3 more; short protein forms K390T, K517T, K562T, K593T, K636T, K666T, K692T, K694T.
Identifiers: ClinVar variation 4860385 (VCV004860385.1).

ClinVar aggregate classification (germline): Uncertain significance (1 of 4 stars; one submission).

Conditions:
Hereditary cancer-predisposing syndrome. Also called: Neoplastic Syndromes, Hereditary; Tumor predisposition; Hereditary Cancer Syndrome; Hereditary neoplastic syndrome. Identifiers: Orphanet 140162, MedGen C0027672, MeSH D009386, MONDO:0015356.

Submission:

Ambry Genetics
Classification: Uncertain significance for Hereditary cancer-predisposing syndrome. Last evaluated: 2026-03-27. Review status: criteria provided, single submitter. Criteria: Ambry Variant Classification Scheme 2023. Collection method: clinical testing. Allele origin: germline.
Comment: The p.K692T variant (also known as c.2075A>C), located in coding exon 4 of the MSH6 gene, results from an A to C substitution at nucleotide position 2075. The lysine at codon 692 is replaced by threonine, an amino acid with similar properties. This amino acid position is conserved. In addition, this alteration is predicted to be deleterious by in silico analysis. Based on the available evidence, the clinical significance of this variant remains unclear.